The following is an entry in ClinVar:

NM_000051.4(ATM):c.8851G>C (p.Val2951Leu)

Genes: ATM (ATM serine/threonine kinase; plus strand), C11orf65 (chromosome 11 open reading frame 65; minus strand). Cytogenetic location: 11q22.3.
Variant type: single nucleotide variant.
Coding change: c.8851G>C on transcript NM_000051.4 (MANE Select); coding-DNA position 8851, G replaced by C.
Protein change: p.Val2951Leu; replaces valine 2951 with leucine.
Molecular consequence: missense variant. On other transcripts: intron variant (2).
Genome position (GRCh38, 1-based): chr11:108,365,082, G>C. VCF-style: chr11-108365082-G-C. GRCh37 (hg19) VCF-style: chr11-108235809-G-C.
Other names: c.8851G>C, p.Val2951Leu (NM_001351834.2); c.640+20838C>G (NM_001330368.2); c.694+20838C>G (NM_001351110.2); short protein forms V2951L.
Identifiers: ClinVar variation 495397 (VCV000495397.3), dbSNP rs1555151205, ClinGen allele CA382529527.

ClinVar aggregate classification (germline): Uncertain significance (1 of 4 stars; one submission).

Submission:

Women's Health and Genetics/Laboratory Corporation of America, LabCorp
Classification: Uncertain significance. Last evaluated: 2017-01-26. Review status: criteria provided, single submitter. Criteria: LabCorp Variant Classification Summary - May 2015. Collection method: clinical testing. Allele origin: germline.
Comment: Variant summary: The ATM c.8851G>C (p.Val2951Leu) variant involves the alteration of the first conserved nucleotide of exon 62. 3/4 in silico tools predict a damaging outcome for this variant (SNPs&GO not captured due to low reliability index). 5/5 splice prediction tools via Alamut predict the weakening of a canonical splice acceptor site, however, these predictions have yet to be confirmed by functional studies. This variant was not found in 119296 control chromosomes. The variant of interest has not, to our knowledge, been reported in affected individuals via publications and/or reputable databases/clinical diagnostic laboratories; nor evaluated for functional impact by in vivo/vitro studies. Because of the absence of clinical information and the lack of functional studies, the variant is classified as a variant of uncertain significance (VUS) until additional information becomes available.